The following is an entry in ClinVar:

ClinVar aggregate classification (germline): Pathogenic. Review status: criteria provided, single submitter (1 of 4 stars). 2 submissions from 2 submitters: Pathogenic (1). 1 of the submissions does not count toward it. Last evaluated 2022-01-17.

Conditions:
Congenital stationary night blindness, type 2A, severe. Identifiers: MedGen C4016457.

Submissions (2):

Labcorp Genetics (formerly Invitae), Labcorp
Classification: Pathogenic. Last evaluated: 2022-01-17. Review status: criteria provided, single submitter. Criteria: Invitae Variant Classification Sherloc (09022015). Collection method: clinical testing. Allele origin: germline.
Comment: ClinVar contains an entry for this variant (Variation ID: 11619). This variant is also known as I745T. This missense change has been observed in individual(s) with congenital stationary night blindness (PMID: 15807819). It has also been observed to segregate with disease in related individuals. This variant is not present in population databases (gnomAD no frequency). This sequence change replaces isoleucine, which is neutral and non-polar, with threonine, which is neutral and polar, at codon 756 of the CACNA1F protein (p.Ile756Thr). Algorithms developed to predict the effect of missense changes on protein structure and function are either unavailable or do not agree on the potential impact of this missense change (SIFT: "Deleterious"; PolyPhen-2: "Probably Damaging"; Align-GVGD: "Class C0"). Experimental studies have shown that this missense change affects CACNA1F function (PMID: 15897456, 24051672, 33037074). For these reasons, this variant has been classified as Pathogenic.

OMIM
Classification: Pathogenic for NIGHT BLINDNESS, CONGENITAL STATIONARY, TYPE 2A, SEVERE. Last evaluated: 2005-05-24. Review status: no assertion criteria provided. Collection method: literature only. Allele origin: germline. Not counted in ClinVar's aggregate classification.

Literature cited by the submitters: PubMed 15807819 (cited by Labcorp Genetics (formerly Invitae), Labcorp); PubMed 15897456 (cited by Labcorp Genetics (formerly Invitae), Labcorp and OMIM); PubMed 24051672 (cited by Labcorp Genetics (formerly Invitae), Labcorp); PubMed 33037074 (cited by Labcorp Genetics (formerly Invitae), Labcorp).

NM_001256789.3(CACNA1F):c.2234T>C (p.Ile745Thr)

Gene: CACNA1F (calcium voltage-gated channel subunit alpha1 F; minus strand). Cytogenetic location: Xp11.23.
Variant type: single nucleotide variant.
Coding change: c.2234T>C on transcript NM_001256789.3 (MANE Select); coding-DNA position 2234, T replaced by C.
Protein change: p.Ile745Thr; replaces isoleucine 745 with threonine.
Molecular consequence: missense variant.
Genome position (GRCh38, 1-based): chrX:49,222,576, A>G on the plus strand (T>C on the coding strand, the complement: CACNA1F is on the minus strand). VCF-style: chrX-49222576-A-G. GRCh37 (hg19) VCF-style: chrX-49079035-A-G.
Other names: c.2072T>C, p.Ile691Thr (NM_001256790.3); c.2267T>C, p.Ile756Thr (NM_005183.4); short protein forms I745T, I691T, I756T.
Identifiers: ClinVar variation 11619 (VCV000011619.6), dbSNP rs122456136, ClinGen allele CA121617.